The following is an entry in ClinVar:

ClinVar aggregate classification (germline): Uncertain significance (1 of 4 stars; one submission).

Submission:

GeneDx
Classification: Uncertain significance. Last evaluated: 2019-10-10. Review status: criteria provided, single submitter. Criteria: GeneDx Variant Classification Process June 2021. Collection method: clinical testing. Allele origin: germline. Affected: yes.
Comment: Not observed in large population cohorts (Lek et al., 2016); In silico analysis, which includes protein predictors and evolutionary conservation, supports that this variant does not alter protein structure/function; Has not been previously published as pathogenic or benign to our knowledge

NM_003482.4(KMT2D):c.12755C>T (p.Pro4252Leu)

Gene: KMT2D (lysine methyltransferase 2D; minus strand). Cytogenetic location: 12q13.12.
Variant type: single nucleotide variant.
Coding change: c.12755C>T on transcript NM_003482.4 (MANE Select); coding-DNA position 12755, C replaced by T.
Protein change: p.Pro4252Leu; replaces proline 4252 with leucine.
Molecular consequence: missense variant.
Genome position (GRCh38, 1-based): chr12:49,031,950, G>A on the plus strand (C>T on the coding strand, the complement: KMT2D is on the minus strand). VCF-style: chr12-49031950-G-A. GRCh37 (hg19) VCF-style: chr12-49425733-G-A.
Other names: short protein forms P4252L.
Identifiers: ClinVar variation 1309116 (VCV001309116.2), dbSNP rs2120426646, ClinGen allele CA384709446.
Genomic context (GRCh38, chr12:49,031,950, plus strand): 5'-CCTGTCTGTGGTCCAGGGAAGCCCCCAAGTTGAGGTTGGCAGCCCAGGAGGCCCTGGAGG[G>A]GAGAGGTCTGGGTCCCAGGCTCCTGGTAGGGTGGGGTCTGGCGTACTGCCTGACTCTGCT-3'
Protein context (NP_003473.3, residues 4242-4262): PYQEPGTQTS[Pro4252Leu]LQGLLGCQPQ